The following is an entry in ClinVar:

NM_001083601.3(NAA60):c.549C>T (p.Gly183=)

Gene: NAA60 (N-alpha-acetyltransferase 60, NatF catalytic subunit; plus strand). Cytogenetic location: 16p13.3.
Variant type: single nucleotide variant.
Coding change: c.549C>T on transcript NM_001083601.3 (MANE Select); coding-DNA position 549, C replaced by T.
Protein change: p.Gly183=; no amino-acid change (glycine 183 retained).
Molecular consequence: synonymous variant. On other transcripts: intron variant (4).
Genome position (GRCh38, 1-based): chr16:3,483,574, C>T. VCF-style: chr16-3483574-C-T. GRCh37 (hg19) VCF-style: chr16-3533574-C-T.
Other names: c.549C>T, p.Gly183= (NM_001083600.3, NM_024845.4); c.570C>T, p.Gly190= (NM_001317093.1); c.354C>T, p.Gly118= (NM_001317095.2); c.337+976C>T (NM_001317096.2, NM_001317097.2, NM_001317098.2); c.241-1117C>T (NM_001317094.2).
Identifiers: ClinVar variation 5038570 (VCV005038570.1).

ClinVar aggregate classification (germline): Likely benign (1 of 4 stars; one submission).

gnomAD v4.1: 482 of 1,612,148 alleles (0.03%); highest among the groups gnomAD compares: East Asian, 0.094%; no homozygotes.

Submission:

CeGaT Center for Human Genetics Tuebingen
Classification: Likely benign. Last evaluated: 2026-08-01. Review status: criteria provided, single submitter. Criteria: CeGaT Center For Human Genetics Tuebingen Variant Classification Criteria Version 2. Collection method: clinical testing. Allele origin: germline. Affected: yes. Observed: 1 variant allele.
Comment: NAA60: BP4, BP7